The following is an entry in ClinVar:

ClinVar aggregate classification (germline): Likely pathogenic (1 of 4 stars; one submission).

Conditions:
Cardiovascular phenotype. Identifiers: MedGen CN230736.

Submission:

Ambry Genetics
Classification: Likely pathogenic for Cardiovascular phenotype. Last evaluated: 2026-04-14. Review status: criteria provided, single submitter. Criteria: Ambry Variant Classification Scheme 2023. Collection method: clinical testing. Allele origin: germline.
Comment: The p.S22257* variant (also known as c.66770C>G), located in coding exon 166 of the TTN gene, results from a C to G substitution at nucleotide position 66770. This changes the amino acid from a serine to a stop codon within coding exon 166. This exon is located in the A-band region of the N2-B isoform of the titin protein and is constitutively expressed in TTN transcripts (percent spliced in or PSI 100%). This variant is considered to be rare based on population cohorts in the Genome Aggregation Database (gnomAD). This variant is expected to result in loss of function by premature protein truncation or nonsense-mediated mRNA decay. While truncating variants in TTN are present in 1-3% of the general population, truncating variants in the A-band are the most common cause of dilated cardiomyopathy (Herman DS et al. N. Engl. J. Med., 2012 Feb;366:619-28; Roberts AM et al. Sci Transl Med, 2015 Jan;7:270ra6). TTN truncating variants encoded in constitutive exons (PSI >90%) have been found to be significantly associated with DCM regardless of their position in titin (Schafer S et al. Nat. Genet., 2017 01;49:46-53; Akhtar MM et al. Circ Heart Fail, 2020 Oct;13:e006832; Massier M et al. Clin Genet, 2025 Jan). Based on the majority of available evidence to date, this variant is likely to be pathogenic.

NM_001267550.2(TTN):c.93965C>G (p.Ser31322Ter)

Genes: TTN (titin; minus strand), TTN-AS1 (TTN antisense RNA 1; plus strand). Cytogenetic location: 2q31.2.
Variant type: single nucleotide variant.
Coding change: c.93965C>G on transcript NM_001267550.2 (MANE Select); coding-DNA position 93965, C replaced by G.
Protein change: p.Ser31322Ter; replaces serine 31322 with a stop codon.
Molecular consequence: nonsense.
Genome position (GRCh38, 1-based): chr2:178,547,661, G>C on the plus strand (C>G on the coding strand, the complement: TTN is on the minus strand). VCF-style: chr2-178547661-G-C. GRCh37 (hg19) VCF-style: chr2-179412388-G-C.
Other names: c.89042C>G, p.Ser29681Ter (NM_001256850.1); c.66770C>G, p.Ser22257Ter (NM_003319.4); c.86261C>G, p.Ser28754Ter (NM_133378.4); c.67145C>G, p.Ser22382Ter (NM_133432.3); c.67346C>G, p.Ser22449Ter (NM_133437.4); short protein forms S22257*, S22382*, S22449*, S28754*, S29681*, S31322*.
Identifiers: ClinVar variation 4866192 (VCV004866192.1).